The following is an entry in ClinVar:

NM_001009944.3(PKD1):c.1258dup (p.Tyr420fs)

Gene: PKD1 (polycystin 1, transient receptor potential channel interacting; minus strand). Cytogenetic location: 16p13.3.
Variant type: Duplication.
Coding change: c.1258dup on transcript NM_001009944.3 (MANE Select); coding-DNA position 1258, one base duplicated (T; older notation c.1258dupT).
Protein change: p.Tyr420fs; shifts the reading frame from tyrosine 420.
Molecular consequence: frameshift variant.
Genome position (GRCh38, 1-based): chr16:2,117,616, A duplicated on the plus strand (T on the coding strand, the reverse complement: PKD1 is on the minus strand). VCF-style (leftmost placement, unchanged base first): chr16-2117615-T-TA. GRCh37 (hg19) VCF-style: chr16-2167616-T-TA.
Other names: c.1258dup, p.Tyr420fs (NM_000296.4); short protein forms Y420fs.
Identifiers: ClinVar variation 4851611 (VCV004851611.1).

ClinVar aggregate classification (germline): Likely pathogenic (1 of 4 stars; one submission).

Conditions:
Polycystic kidney disease, adult type (PKD1). Also called: POLYCYSTIC KIDNEY DISEASE 1 WITH OR WITHOUT POLYCYSTIC LIVER DISEASE; Polycystic Kidney Disease 1, Autosomal Dominant; Polycystic kidney disease 1; Polycystic kidney disease 1, severe; POLYCYSTIC KIDNEY DISEASE, ADULT, TYPE I; Polycystic Kidney, Autosomal Dominant. Identifiers: MedGen C3149841, MONDO:0008263, OMIM 173900.

Submission:

CGC Genetics, Unilabs
Classification: Likely pathogenic for Polycystic kidney disease, adult type. Last evaluated: 2025-06-26. Review status: criteria provided, single submitter. Criteria: ACMG Guidelines, 2015. Collection method: clinical testing. Allele origin: germline. Inheritance: Autosomal dominant inheritance. Affected: yes. Observed: 1 variant allele.
Comment: The NM_001009944.3:c.1258dup p.(Tyr420Leufs*99) variant, detected in heterozygosity in exon 6 (of 46) of the PKD1 gene (chr.16), is not reported in the literature at the time of this submission. This is a frameshift variant that introduces a premature stop codon, which in turn is expected to lead to the creation of a truncated protein and/or a reduction in its expression due to mRNA degradation. With the information currently available, this should be classified as a likely pathogenic variant.